The following is an entry in ClinVar:

ClinVar aggregate classification (germline): Uncertain significance. Review status: criteria provided, multiple submitters, no conflicts (2 of 4 stars). 5 submissions from 5 submitters: Uncertain significance (5). Last evaluated 2023-12-01.

Conditions:
Familial thoracic aortic aneurysm and aortic dissection (TAAD). Also called: Thoracic aortic aneurysms and dissections. Identifiers: Orphanet 91387, MedGen C4707243, MONDO:0019625.
Megacystis-microcolon-intestinal hypoperistalsis syndrome 2. Identifiers: MedGen C5543476, MONDO:0025708, OMIM 619351.
Aortic aneurysm, familial thoracic 4 (AAT4). Also called: AORTIC ANEURYSM/AORTIC DISSECTION AND PATENT DUCTUS ARTERIOSUS. Identifiers: MedGen C1851504, MONDO:0007568, OMIM 132900.
Visceral myopathy 2. Identifiers: MedGen C5543466, MONDO:0859157, OMIM 619350.

Allele frequency attached by ClinVar (database versions not stated): gnomAD exomes below 0.00001; ExAC 0.00001.
gnomAD v4.1: 6 of 1,614,076 alleles (0.00037%); highest among the groups gnomAD compares: South Asian, 0.0033%; no homozygotes.

Submissions (5):

All of Us Research Program, National Institutes of Health
Classification: Uncertain significance for Familial thoracic aortic aneurysm and aortic dissection. Last evaluated: 2023-12-01. Review status: criteria provided, single submitter. Criteria: ACMG Guidelines, 2015. Collection method: clinical testing. Allele origin: germline. Inheritance: Autosomal dominant inheritance. Observed: 2 variant alleles, 2 heterozygotes.
Comment: This missense variant replaces valine with isoleucine at codon 259 of the MYH11 protein. Computational prediction suggests that this variant may not impact protein structure and function (internally defined REVEL score threshold <= 0.5, PMID: 27666373). To our knowledge, functional studies have not been reported for this variant. This variant has not been reported in individuals affected with cardiovascular disorders in the literature. This variant has been identified in 1/251484 chromosomes in the general population by the Genome Aggregation Database (gnomAD). The available evidence is insufficient to determine the role of this variant in disease conclusively. Therefore, this variant is classified as a Variant of Uncertain Significance.

This study involves interpretation of variants in research participants for the purpose of population health screening. Participant phenotype was not available at the time of variant classification. Additional details can be found in publication PMID: 35346344, PMCID: PMC8962531

Color Diagnostics, LLC DBA Color Health
Classification: Uncertain significance for Familial thoracic aortic aneurysm and aortic dissection. Last evaluated: 2023-05-12. Review status: criteria provided, single submitter. Criteria: ACMG Guidelines, 2015. Collection method: clinical testing. Allele origin: germline.
Comment: This missense variant replaces valine with isoleucine at codon 259 of the MYH11 protein. Computational prediction suggests that this variant may not impact protein structure and function (internally defined REVEL score threshold <= 0.5, PMID: 27666373). To our knowledge, functional studies have not been reported for this variant. This variant has not been reported in individuals affected with MYH11-related disorders in the literature. This variant has been identified in 1/251484 chromosomes in the general population by the Genome Aggregation Database (gnomAD). The available evidence is insufficient to determine the role of this variant in disease conclusively. Therefore, this variant is classified as a Variant of Uncertain Significance.

Labcorp Genetics (formerly Invitae), Labcorp
Classification: Uncertain significance for Aortic aneurysm, familial thoracic 4. Last evaluated: 2022-08-31. Review status: criteria provided, single submitter. Criteria: Invitae Variant Classification Sherloc (09022015). Collection method: clinical testing. Allele origin: germline.
Comment: This sequence change replaces valine, which is neutral and non-polar, with isoleucine, which is neutral and non-polar, at codon 259 of the MYH11 protein (p.Val259Ile). This variant is present in population databases (rs772078130, gnomAD 0.0009%). This variant has not been reported in the literature in individuals affected with MYH11-related conditions. ClinVar contains an entry for this variant (Variation ID: 925590). Algorithms developed to predict the effect of missense changes on protein structure and function (SIFT, PolyPhen-2, Align-GVGD) all suggest that this variant is likely to be tolerated. In summary, the available evidence is currently insufficient to determine the role of this variant in disease. Therefore, it has been classified as a Variant of Uncertain Significance.

Fulgent Genetics
Classification: Uncertain significance for Aortic aneurysm, familial thoracic 4; Visceral myopathy 2; Megacystis-microcolon-intestinal hypoperistalsis syndrome 2. Last evaluated: 2021-08-05. Review status: criteria provided, single submitter. Criteria: ACMG Guidelines, 2015. Collection method: clinical testing. Allele origin: unknown.

GeneDx
Classification: Uncertain significance. Last evaluated: 2019-08-29. Review status: criteria provided, single submitter. Criteria: GeneDx Variant Classification Process June 2021. Collection method: clinical testing. Allele origin: germline. Affected: yes.
Comment: Has not been previously published as pathogenic or benign to our knowledge; Not observed at a significant frequency in large population cohorts (Lek et al., 2016); In silico analysis, which includes protein predictors and evolutionary conservation, supports that this variant does not alter protein structure/function

NM_002474.3(MYH11):c.754G>A (p.Val252Ile)

Gene: MYH11 (myosin heavy chain 11; minus strand). Cytogenetic location: 16p13.11.
Variant type: single nucleotide variant.
Coding change: c.754G>A on transcript NM_002474.3 (MANE Select); coding-DNA position 754, G replaced by A.
Protein change: p.Val252Ile; replaces valine 252 with isoleucine.
Molecular consequence: missense variant.
Genome position (GRCh38, 1-based): chr16:15,778,816, C>T on the plus strand (G>A on the coding strand, the complement: MYH11 is on the minus strand). VCF-style: chr16-15778816-C-T. GRCh37 (hg19) VCF-style: chr16-15872673-C-T.
Other names: c.775G>A, p.Val259Ile (NM_001040113.2, NM_001040114.2); c.754G>A, p.Val252Ile (NM_022844.3); short protein forms V259I, V252I.
Identifiers: ClinVar variation 925590 (VCV000925590.16), dbSNP rs772078130, ClinGen allele CA7922829.